The following is an entry in ClinVar:

ClinVar aggregate classification (germline): Uncertain significance. Review status: criteria provided, single submitter (1 of 4 stars). 2 submissions from 2 submitters: Uncertain significance (1). 1 of the submissions does not count toward it. Last evaluated 2022-05-31.

Conditions:
Meier-Gorlin syndrome 7. Identifiers: Orphanet 2554, MedGen C4310738, MONDO:0014894, OMIM 617063. Disease mechanism: loss of function.

Allele frequency attached by ClinVar (database versions not stated): ExAC 0.00001; gnomAD 0.00001; gnomAD exomes 0.00001 and 0.00002; TOPMed 0.00002.
gnomAD v4.1: 21 of 1,613,980 alleles (0.0013%); highest among the groups gnomAD compares: East Asian, 0.013%; no homozygotes.

Submissions (2):

Labcorp Genetics (formerly Invitae), Labcorp
Classification: Uncertain significance. Last evaluated: 2022-05-31. Review status: criteria provided, single submitter. Criteria: Invitae Variant Classification Sherloc (09022015). Collection method: clinical testing. Allele origin: germline.
Comment: This sequence change affects codon 106 of the CDC45 mRNA. It is a 'silent' change, meaning that it does not change the encoded amino acid sequence of the CDC45 protein. RNA analysis indicates that this variant induces altered splicing and likely results in a shortened protein product. This variant is present in population databases (rs745800041, gnomAD 0.01%). This variant has been observed in individual(s) with clinical features of CDC45-related conditions (PMID: 27374770). ClinVar contains an entry for this variant (Variation ID: 253098). Studies have shown that this variant results in skipping of exon 4, but is expected to preserve the integrity of the reading-frame (PMID: 27374770). In summary, the available evidence is currently insufficient to determine the role of this variant in disease. Therefore, it has been classified as a Variant of Uncertain Significance.

OMIM
Classification: Pathogenic for MEIER-GORLIN SYNDROME 7. Last evaluated: 2016-10-20. Review status: no assertion criteria provided. Collection method: literature only. Allele origin: germline. Not counted in ClinVar's aggregate classification.

Literature cited by the submitters: PubMed 27374770 (cited by Labcorp Genetics (formerly Invitae), Labcorp and OMIM).

NM_003504.5(CDC45):c.318C>T (p.Val106=)

Gene: CDC45 (cell division cycle 45; plus strand). Cytogenetic location: 22q11.21.
Variant type: single nucleotide variant.
Coding change: c.318C>T on transcript NM_003504.5 (MANE Select); coding-DNA position 318, C replaced by T.
Protein change: p.Val106=; no amino-acid change (valine 106 retained).
Molecular consequence: synonymous variant. On other transcripts: non-coding transcript variant (1), intron variant (1).
Genome position (GRCh38, 1-based): chr22:19,482,803, C>T. VCF-style: chr22-19482803-C-T. GRCh37 (hg19) VCF-style: chr22-19470326-C-T.
Other names: V106V; c.318C>T, p.Val106= (NM_001178010.2); c.282C>T, p.Val94= (NM_001369291.1); c.205-1059C>T (NM_001178011.2).
Identifiers: ClinVar variation 253098 (VCV000253098.4), dbSNP rs745800041, ClinGen allele CA10100999.